The following is an entry in ClinVar:

ClinVar aggregate classification (germline): Uncertain significance (1 of 4 stars; one submission).

Conditions:
Pheochromocytoma. Also called: MAX-Related Hereditary Paraganglioma-Pheochromocytoma Syndrome. Identifiers: Orphanet 29072, MedGen C0031511, MONDO:0008233, OMIM 171300, HP:0002666.
Carney-Stratakis syndrome. Also called: PARAGANGLIOMA AND GASTROINTESTINAL STROMAL TUMOR. Identifiers: Orphanet 97286, MedGen C1847319, MONDO:0011740, OMIM 606864.
Paragangliomas with sensorineural hearing loss. Identifiers: MedGen C1868633.
Cowden syndrome 3 (CWS3). Identifiers: Orphanet 201, MedGen CN166604, MONDO:0014045.

Submission:

Labcorp Genetics (formerly Invitae), Labcorp
Classification: Uncertain significance for Carney-Stratakis syndrome; Paragangliomas with sensorineural hearing loss; Pheochromocytoma; Cowden syndrome 3. Last evaluated: 2025-06-04. Review status: criteria provided, single submitter. Criteria: Invitae Variant Classification Sherloc (09022015). Collection method: clinical testing. Allele origin: germline.
Comment: This sequence change replaces serine, which is neutral and polar, with cysteine, which is neutral and slightly polar, at codon 63 of the SDHD protein (p.Ser63Cys). This variant is not present in population databases (gnomAD no frequency). This variant has not been reported in the literature in individuals affected with SDHD-related conditions. Invitae Evidence Modeling of protein sequence and biophysical properties (such as structural, functional, and spatial information, amino acid conservation, physicochemical variation, residue mobility, and thermodynamic stability) indicates that this missense variant is expected to disrupt SDHD protein function with a positive predictive value of 95%. In summary, the available evidence is currently insufficient to determine the role of this variant in disease. Therefore, it has been classified as a Variant of Uncertain Significance.

NM_003002.4(SDHD):c.188C>G (p.Ser63Cys)

Gene: SDHD (succinate dehydrogenase complex subunit D; plus strand). Cytogenetic location: 11q23.1.
Variant type: single nucleotide variant.
Coding change: c.188C>G on transcript NM_003002.4 (MANE Select); coding-DNA position 188, C replaced by G.
Protein change: p.Ser63Cys; replaces serine 63 with cysteine.
Molecular consequence: missense variant. On other transcripts: non-coding transcript variant (1), intron variant (1).
Genome position (GRCh38, 1-based): chr11:112,088,885, C>G. VCF-style: chr11-112088885-C-G. GRCh37 (hg19) VCF-style: chr11-111959609-C-G.
Other names: c.71C>G, p.Ser24Cys (NM_001276504.2); c.188C>G, p.Ser63Cys (NM_001276506.2); c.169+912C>G (NM_001276503.2); short protein forms S24C, S63C.
Identifiers: ClinVar variation 4793231 (VCV004793231.1).
Genomic context (GRCh38, chr11:112,088,885, plus strand): 5'-TGTTTCTCACATCAACTTTTATGAATCTGGTCCTTTTTGTAGCTGGCTCCAAGGCTGCAT[C>G]TCTCCACTGGACTAGCGAGAGGGTTGTCAGTGTTTTGCTCCTGGGTCTGCTTCCGGCTGC-3'
Protein context (NP_002993.1, residues 53-73): PSHHSGSKAA[Ser63Cys]LHWTSERVVS